The following is an entry in ClinVar:

ClinVar aggregate classification (germline): Uncertain significance (1 of 4 stars; one submission).

Conditions:
Succinyl-CoA acetoacetate transferase deficiency (SCOTD). Also called: SCOT DEFICIENCY; SUCCINYL-CoA:3-KETOACID CoA-TRANSFERASE DEFICIENCY; KETOACIDOSIS DUE TO SCOT DEFICIENCY; Succinyl CoA:3-oxoacid CoA transferase deficiency; 3-Oxoacid CoA Transferase Deficiency. Identifiers: Orphanet 832, MedGen C0342792, MONDO:0009492, OMIM 245050.

Allele frequency attached by ClinVar (database versions not stated): gnomAD 0.00006; TOPMed 0.00006.
gnomAD v4.1: 65 of 1,576,540 alleles (0.0041%); highest among the groups gnomAD compares: Middle Eastern, 0.017%; no homozygotes.

Submission:

Labcorp Genetics (formerly Invitae), Labcorp
Classification: Uncertain significance for Succinyl-CoA acetoacetate transferase deficiency. Last evaluated: 2022-06-07. Review status: criteria provided, single submitter. Criteria: Invitae Variant Classification Sherloc (09022015). Collection method: clinical testing. Allele origin: germline.
Comment: In summary, the available evidence is currently insufficient to determine the role of this variant in disease. Therefore, it has been classified as a Variant of Uncertain Significance. Algorithms developed to predict the effect of missense changes on protein structure and function are either unavailable or do not agree on the potential impact of this missense change (SIFT: "Deleterious"; PolyPhen-2: "Benign"; Align-GVGD: "Class C0"). This variant has not been reported in the literature in individuals affected with OXCT1-related conditions. This variant is present in population databases (rs200306864, gnomAD 0.01%). This sequence change replaces arginine, which is basic and polar, with histidine, which is basic and polar, at codon 281 of the OXCT1 protein (p.Arg281His).

NM_000436.4(OXCT1):c.842G>A (p.Arg281His)

Gene: OXCT1 (3-oxoacid CoA-transferase 1; minus strand). Cytogenetic location: 5p13.1.
Variant type: single nucleotide variant.
Coding change: c.842G>A on transcript NM_000436.4 (MANE Select); coding-DNA position 842, G replaced by A.
Protein change: p.Arg281His; replaces arginine 281 with histidine.
Molecular consequence: missense variant. On other transcripts: non-coding transcript variant (1).
Genome position (GRCh38, 1-based): chr5:41,805,680, C>T on the plus strand (G>A on the coding strand, the complement: OXCT1 is on the minus strand). VCF-style: chr5-41805680-C-T. GRCh37 (hg19) VCF-style: chr5-41805782-C-T.
Other names: c.863G>A, p.Arg288His (NM_001364299.2, NM_001364300.2); c.836G>A, p.Arg279His (NM_001364301.2); c.842G>A, p.Arg281His (NM_001364302.2); c.284G>A, p.Arg95His (NM_001364303.2); short protein forms R279H, R288H, R95H, R281H.
Identifiers: ClinVar variation 2140729 (VCV002140729.3), dbSNP rs200306864, ClinGen allele CA3253455.